The following is an entry in ClinVar:

ClinVar aggregate classification (germline): Uncertain significance (1 of 4 stars; one submission).

Allele frequency attached by ClinVar (database versions not stated): gnomAD exomes below 0.00001.
gnomAD v4.1: 3 of 1,532,784 alleles (0.0002%); highest among the groups gnomAD compares: African/African-American, 0.0028%; no homozygotes.

Submission:

Labcorp Genetics (formerly Invitae), Labcorp
Classification: Uncertain significance. Last evaluated: 2023-11-27. Review status: criteria provided, single submitter. Criteria: Invitae Variant Classification Sherloc (09022015). Collection method: clinical testing. Allele origin: germline.
Comment: This sequence change replaces glutamine, which is neutral and polar, with proline, which is neutral and non-polar, at codon 11 of the PHYH protein (p.Gln11Pro). This variant is not present in population databases (gnomAD no frequency). This variant has not been reported in the literature in individuals affected with PHYH-related conditions. ClinVar contains an entry for this variant (Variation ID: 2162280). An algorithm developed to predict the effect of missense changes on protein structure and function (PolyPhen-2) suggests that this variant¬†is likely to be tolerated. In summary, the available evidence is currently insufficient to determine the role of this variant in disease. Therefore, it has been classified as a Variant of Uncertain Significance.

NM_006214.4(PHYH):c.32A>C (p.Gln11Pro)

Genes: PHYH (phytanoyl-CoA 2-hydroxylase; minus strand), LOC130003374 (ATAC-STARR-seq lymphoblastoid silent region 2152; plus strand). Cytogenetic location: 10p13.
Variant type: single nucleotide variant.
Coding change: c.32A>C on transcript NM_006214.4 (MANE Select); coding-DNA position 32, A replaced by C.
Protein change: p.Gln11Pro; replaces glutamine 11 with proline.
Molecular consequence: missense variant.
Genome position (GRCh38, 1-based): chr10:13,300,011, T>G on the plus strand (A>C on the coding strand, the complement: PHYH is on the minus strand). VCF-style: chr10-13300011-T-G. GRCh37 (hg19) VCF-style: chr10-13342011-T-G.
Other names: c.32A>C, p.Gln11Pro (NM_001323082.2, NM_001323083.2); short protein forms Q11P.
Identifiers: ClinVar variation 2162280 (VCV002162280.2), dbSNP rs1832707305, ClinGen allele CA376038427.
Genomic context (GRCh38, chr10:13,300,011, plus strand): 5'-CGCAGCCCAAAGGATACGACAGCCCCGGCCGAGGGGCGGCCGAGGTGGCCCAGAACAATC[T>G]GCAGACGGGCGGCGGCGCGAAGCTGCTCCATGGCTGCGGCGCGGGGAACCCCCACCCCTC-3'
Protein context (NP_006205.1, residues 1-21): MEQLRAAARL[Gln11Pro]IVLGHLGRPS